The following is an entry in ClinVar:

NM_018023.5(YEATS2):c.575A>G (p.Gln192Arg)

Gene: YEATS2 (YEATS domain containing 2; plus strand). Cytogenetic location: 3q27.1.
Variant type: single nucleotide variant.
Coding change: c.575A>G on transcript NM_018023.5 (MANE Select); coding-DNA position 575, A replaced by G.
Protein change: p.Gln192Arg; replaces glutamine 192 with arginine.
Molecular consequence: missense variant.
Genome position (GRCh38, 1-based): chr3:183,724,456, A>G. VCF-style: chr3-183724456-A-G. GRCh37 (hg19) VCF-style: chr3-183442244-A-G.
Other names: c.575A>G, p.Gln192Arg (NM_001351369.2, NM_001351370.2, NM_001351371.2); c.575A>G (NM_001351370.1); short protein forms Q192R.
Identifiers: ClinVar variation 2217294 (VCV002217294.4), dbSNP rs138723729, ClinGen allele CA2722028.

ClinVar aggregate classification (germline): Uncertain significance. Review status: criteria provided, single submitter (1 of 4 stars). 2 submissions from 2 submitters: Uncertain significance (1). 1 of the submissions does not count toward it. Last evaluated 2022-01-10.

Conditions:
YEATS2-related disorder. Also called: YEATS2-related condition.

Allele frequency attached by ClinVar (database versions not stated): gnomAD exomes 0.00007; ExAC 0.00024; gnomAD 0.00057; TOPMed 0.00061; 1000 Genomes Project 0.00080; ESP Exome Variant Server 0.00093; 1000 Genomes Project 30x 0.00094.
gnomAD v4.1: 195 of 1,613,788 alleles (0.012%); highest among the groups gnomAD compares: African/African-American, 0.22%; 2 homozygotes.

Submissions (2):

Ambry Genetics
Classification: Uncertain significance. Last evaluated: 2022-01-10. Review status: criteria provided, single submitter. Criteria: Ambry Variant Classification Scheme 2023. Collection method: clinical testing. Allele origin: germline.

PreventionGenetics, part of Exact Sciences
Classification: Likely benign for YEATS2-related condition. Last evaluated: 2022-12-27. Review status: no assertion criteria provided. Collection method: clinical testing. Allele origin: germline. Not counted in ClinVar's aggregate classification.
Comment: This variant is classified as likely benign based on ACMG/AMP sequence variant interpretation guidelines (Richards et al. 2015 PMID: 25741868, with internal and published modifications).